The following is an entry in ClinVar:

ClinVar aggregate classification (germline): Uncertain significance. Review status: criteria provided, multiple submitters, no conflicts (2 of 4 stars). 2 submissions from 2 submitters: Uncertain significance (2). Last evaluated 2025-08-20.

Conditions:
Hereditary cancer-predisposing syndrome. Also called: Tumor predisposition; Hereditary neoplastic syndrome; Hereditary Cancer Syndrome; Neoplastic Syndromes, Hereditary. Identifiers: Orphanet 140162, MedGen C0027672, MeSH D009386, MONDO:0015356.
EGFR-related lung cancer (EGFR). Identifiers: MedGen CN130014.

Allele frequency attached by ClinVar (database versions not stated): gnomAD exomes 0.00001; TOPMed 0.00002.
gnomAD v4.1: 7 of 1,614,092 alleles (0.00043%); highest among the groups gnomAD compares: African/African-American, 0.0013%; no homozygotes.

Submissions (2):

Labcorp Genetics (formerly Invitae), Labcorp
Classification: Uncertain significance for EGFR-related lung cancer. Last evaluated: 2025-08-20. Review status: criteria provided, single submitter. Criteria: Invitae Variant Classification Sherloc (09022015). Collection method: clinical testing. Allele origin: germline.
Comment: This sequence change replaces alanine, which is neutral and non-polar, with threonine, which is neutral and polar, at codon 864 of the EGFR protein (p.Ala864Thr). This variant is not present in population databases (gnomAD no frequency). This variant has not been reported in the literature in individuals affected with EGFR-related conditions. ClinVar contains an entry for this variant (Variation ID: 938049). Invitae Evidence Modeling of protein sequence and biophysical properties (such as structural, functional, and spatial information, amino acid conservation, physicochemical variation, residue mobility, and thermodynamic stability) indicates that this missense variant is not expected to disrupt EGFR protein function with a negative predictive value of 80%. Algorithms developed to predict the effect of sequence changes on RNA splicing suggest that this variant may create or strengthen a splice site. In summary, the available evidence is currently insufficient to determine the role of this variant in disease. Therefore, it has been classified as a Variant of Uncertain Significance.

Ambry Genetics
Classification: Uncertain significance for Hereditary cancer-predisposing syndrome. Last evaluated: 2025-01-14. Review status: criteria provided, single submitter. Criteria: Ambry Variant Classification Scheme 2023. Collection method: clinical testing. Allele origin: germline.
Comment: The p.A864T variant (also known as c.2590G>A), located in coding exon 21 of the EGFR gene, results from a G to A substitution at nucleotide position 2590. The alanine at codon 864 is replaced by threonine, an amino acid with similar properties. This amino acid position is well conserved in available vertebrate species. In addition, the in silico prediction for this alteration is inconclusive. Based on the available evidence, the clinical significance of this variant remains unclear.

NM_005228.5(EGFR):c.2590G>A (p.Ala864Thr)

Gene: EGFR (epidermal growth factor receptor; plus strand). Cytogenetic location: 7p11.2.
Variant type: single nucleotide variant.
Coding change: c.2590G>A on transcript NM_005228.5 (MANE Select); coding-DNA position 2590, G replaced by A.
Protein change: p.Ala864Thr; replaces alanine 864 with threonine.
Molecular consequence: missense variant.
Genome position (GRCh38, 1-based): chr7:55,191,839, G>A. VCF-style: chr7-55191839-G-A. GRCh37 (hg19) VCF-style: chr7-55259532-G-A.
Other names: c.2455G>A, p.Ala819Thr (NM_001346897.2, NM_001346899.2); c.2590G>A, p.Ala864Thr (NM_001346898.2); c.2431G>A, p.Ala811Thr (NM_001346900.2); c.1789G>A, p.Ala597Thr (NM_001346941.2); short protein forms A819T, A597T, A811T, A864T.
Identifiers: ClinVar variation 938049 (VCV000938049.8), dbSNP rs1171287261, ClinGen allele CA367580302.